The following is an entry in ClinVar:

ClinVar aggregate classification (germline): Uncertain significance. Review status: criteria provided, single submitter (1 of 4 stars). 2 submissions from 2 submitters: Uncertain significance (1). 1 of the submissions does not count toward it. Last evaluated 2023-04-15.

Conditions:
Hereditary spastic paraplegia 30. Identifiers: Orphanet 101010, MedGen C5235139, MONDO:0012476.
Neuropathy, hereditary sensory, type 2C. Also called: KIF1A-Related HSAN2 (HSAN2C); Hereditary sensory and autonomic neuropathy type IIC. Identifiers: Orphanet 970, MedGen C3280168, MONDO:0013634, OMIM 614213.
Intellectual disability, autosomal dominant 9 (NESCAVS). Also called: KIF1A-Related Neurodevelopmental Disorder; NESCAV SYNDROME. Identifiers: Orphanet 662367, MedGen C5393830, MONDO:0013656, OMIM 614255.

Submissions (2):

Labcorp Genetics (formerly Invitae), Labcorp
Classification: Uncertain significance for Hereditary spastic paraplegia 30; Neuropathy, hereditary sensory, type 2C; Intellectual disability, autosomal dominant 9. Last evaluated: 2023-04-15. Review status: criteria provided, single submitter. Criteria: Invitae Variant Classification Sherloc (09022015). Collection method: clinical testing. Allele origin: germline.
Comment: In summary, the available evidence is currently insufficient to determine the role of this variant in disease. Therefore, it has been classified as a Variant of Uncertain Significance. Advanced modeling of protein sequence and biophysical properties (such as structural, functional, and spatial information, amino acid conservation, physicochemical variation, residue mobility, and thermodynamic stability) has been performed at Invitae for this missense variant, however the output from this modeling did not meet the statistical confidence thresholds required to predict the impact of this variant on KIF1A protein function. ClinVar contains an entry for this variant (Variation ID: 1482329). This variant has not been reported in the literature in individuals affected with KIF1A-related conditions. This variant is not present in population databases (gnomAD no frequency). This sequence change replaces aspartic acid, which is acidic and polar, with histidine, which is basic and polar, at codon 774 of the KIF1A protein (p.Asp774His).

Zotz-Klimas Genetics Lab, MVZ Zotz Klimas
Classification: Uncertain significance for Intellectual disability, autosomal dominant 9. Last evaluated: 2023-11-02. Review status: no assertion criteria provided. Collection method: clinical testing. Allele origin: germline. Affected: yes. Not counted in ClinVar's aggregate classification.

NM_001244008.2(KIF1A):c.2347G>C (p.Asp783His)

Gene: KIF1A (kinesin family member 1A; minus strand). Cytogenetic location: 2q37.3.
Variant type: single nucleotide variant.
Coding change: c.2347G>C on transcript NM_001244008.2 (MANE Select); coding-DNA position 2347, G replaced by C.
Protein change: p.Asp783His; replaces aspartic acid 783 with histidine.
Molecular consequence: missense variant.
Genome position (GRCh38, 1-based): chr2:240,760,762, C>G on the plus strand (G>C on the coding strand, the complement: KIF1A is on the minus strand). VCF-style: chr2-240760762-C-G. GRCh37 (hg19) VCF-style: chr2-241700179-C-G.
Other names: c.2347G>C, p.Asp783His (NM_001320705.2, NM_001330289.2, NM_001379638.1); c.2422G>C, p.Asp808His (NM_001330290.2, NM_001379631.1, NM_001379634.1 and 2 more transcripts); c.2320G>C, p.Asp774His (NM_001379632.1, NM_001379633.1, NM_001379636.1 and 10 more transcripts); c.2395G>C, p.Asp799His (NM_001379637.1, NM_001379648.1); c.2320G>C (NM_004321.7); short protein forms D774H, D783H, D808H, D799H.
Identifiers: ClinVar variation 1482329 (VCV001482329.9), dbSNP rs1441080561, ClinGen allele CA351324889.